The following is an entry in ClinVar:

NM_006415.4(SPTLC1):c.451C>T (p.Arg151Cys)

Gene: SPTLC1 (serine palmitoyltransferase long chain base subunit 1; minus strand). Cytogenetic location: 9q22.31.
Variant type: single nucleotide variant.
Coding change: c.451C>T on transcript NM_006415.4 (MANE Select); coding-DNA position 451, C replaced by T.
Protein change: p.Arg151Cys; replaces arginine 151 with cysteine.
Molecular consequence: missense variant. On other transcripts: 5 prime UTR variant (1).
Genome position (GRCh38, 1-based): chr9:92,068,075, G>A on the plus strand (C>T on the coding strand, the complement: SPTLC1 is on the minus strand). VCF-style: chr9-92068075-G-A. GRCh37 (hg19) VCF-style: chr9-94830357-G-A.
Other names: c.451C>T, p.Arg151Cys (NM_001281303.2); c.85C>T, p.Arg29Cys (NM_001368272.1); c.-15C>T (NM_001368273.1); c.451C>T (NM_006415.2); short protein forms R29C, R151C.
Identifiers: ClinVar variation 841024 (VCV000841024.9), dbSNP rs146548058, ClinGen allele CA5121540.

ClinVar aggregate classification (germline): Uncertain significance. Review status: criteria provided, multiple submitters, no conflicts (2 of 4 stars). 2 submissions from 2 submitters: Uncertain significance (2). Last evaluated 2025-11-03.

Conditions:
Hereditary sensory and autonomic neuropathy type 1 (HSAN1). Also called: HSAN 1; HSN Type I; Hereditary Sensory Neuropathy Type I. Identifiers: Orphanet 36386, MedGen C0020071, MONDO:0018213.

Allele frequency attached by ClinVar (database versions not stated): ExAC 0.00002; gnomAD exomes 0.00002 and 0.00003; TOPMed 0.00002; ESP Exome Variant Server 0.00008.

Submissions (2):

Labcorp Genetics (formerly Invitae), Labcorp
Classification: Uncertain significance for Hereditary sensory and autonomic neuropathy type 1. Last evaluated: 2025-11-03. Review status: criteria provided, single submitter. Criteria: Invitae Variant Classification Sherloc (09022015). Collection method: clinical testing. Allele origin: germline.
Comment: This sequence change replaces arginine, which is basic and polar, with cysteine, which is neutral and slightly polar, at codon 151 of the SPTLC1 protein (p.Arg151Cys). This variant is present in population databases (rs146548058, gnomAD 0.006%). This missense change has been observed in individuals with clinical features of SPTLC1-related conditions (PMID: 30373780, 38927628; internal data). ClinVar contains an entry for this variant (Variation ID: 841024). Invitae Evidence Modeling of protein sequence and biophysical properties (such as structural, functional, and spatial information, amino acid conservation, physicochemical variation, residue mobility, and thermodynamic stability) indicates that this missense variant is not expected to disrupt SPTLC1 protein function with a negative predictive value of 80%. In summary, the available evidence is currently insufficient to determine the role of this variant in disease. Therefore, it has been classified as a Variant of Uncertain Significance.

GeneDx
Classification: Uncertain significance. Last evaluated: 2025-08-14. Review status: criteria provided, single submitter. Criteria: GeneDx Variant Classification Process June 2021. Collection method: clinical testing. Allele origin: germline. Affected: yes.
Comment: Identified in a patient with muscle weakness, distal muscle atrophy, and sensory loss in published literature (PMID: 30373780); In silico analysis supports that this missense variant has a deleterious effect on protein structure/function; This variant is associated with the following publications: (PMID: 38927628, 30373780)

Literature cited by the submitters: PubMed 30373780 (cited by Labcorp Genetics (formerly Invitae), Labcorp); PubMed 38927628 (cited by Labcorp Genetics (formerly Invitae), Labcorp).